The following is an entry in ClinVar:

NM_001376.5(DYNC1H1):c.1182del (p.Val395fs)

Gene: DYNC1H1 (dynein cytoplasmic 1 heavy chain 1; plus strand). Cytogenetic location: 14q32.31.
Variant type: Deletion.
Coding change: c.1182del on transcript NM_001376.5 (MANE Select); coding-DNA position 1182, one base deleted (A; older notation c.1182delA).
Protein change: p.Val395fs; shifts the reading frame from valine 395.
Molecular consequence: frameshift variant.
Genome position (GRCh38, 1-based): chr14:101,983,239, A deleted; the last of 3 consecutive A bases (chr14:101,983,237-101,983,239); deleting any one gives the same sequence. VCF-style (leftmost placement, unchanged base first): chr14-101983236-CA-C. GRCh37 (hg19) VCF-style: chr14-102449573-CA-C.
Other names: short protein forms V395fs.
Identifiers: ClinVar variation 3256866 (VCV003256866.1).

ClinVar aggregate classification (germline): Likely pathogenic (1 of 4 stars; one submission).

Conditions:
Charcot-Marie-Tooth disease axonal type 2O. Also called: CHARCOT-MARIE-TOOTH NEUROPATHY, AXONAL, TYPE 2O; CHARCOT-MARIE-TOOTH DISEASE, AXONAL, AUTOSOMAL DOMINANT, TYPE 2O; Charcot-Marie-Tooth Neuropathy Type 2O; Charcot-Marie-Tooth disease, axonal, type 20. Identifiers: Orphanet 284232, MedGen C3280220, MONDO:0013644, OMIM 614228.

Submission:

MVZ Medizinische Genetik Mainz
Classification: Likely pathogenic for Charcot-Marie-Tooth disease axonal type 2O. Last evaluated: 2024-05-15. Review status: criteria provided, single submitter. Criteria: UK Practice Guidelines For Variant Classification V4 01 2020. Collection method: clinical testing. Allele origin: germline. Inheritance: Autosomal dominant inheritance. Affected: yes. Observed: 1 variant allele.
Comment: ACMG Criteria: PS2,PM2_SUP,PP3